The following is an entry in ClinVar:

NM_030665.4(RAI1):c.707A>T (p.Tyr236Phe)

Gene: RAI1 (retinoic acid induced 1; plus strand). Cytogenetic location: 17p11.2.
Variant type: single nucleotide variant.
Coding change: c.707A>T on transcript NM_030665.4 (MANE Select); coding-DNA position 707, A replaced by T.
Protein change: p.Tyr236Phe; replaces tyrosine 236 with phenylalanine.
Molecular consequence: missense variant.
Genome position (GRCh38, 1-based): chr17:17,793,655, A>T. VCF-style: chr17-17793655-A-T. GRCh37 (hg19) VCF-style: chr17-17696969-A-T.
Other names: short protein forms Y236F.
Identifiers: ClinVar variation 3355215 (VCV003355215.1).
Genomic context (GRCh38, chr17:17,793,655, plus strand): 5'-TCCCCACCTCCTCCACCTACTCCTCCTCTGTCCAGGGTGGTGGGCAGGGGGCCCACTCCT[A>T]TAAGAGTTGCACAGCACCGACTGCCCAGCCCCATGACAGGCCGCTGACTGCCAGCTCCAG-3'
Protein context (NP_109590.3, residues 226-246): VQGGGQGAHS[Tyr236Phe]KSCTAPTAQP

ClinVar aggregate classification (germline): Uncertain significance (0 of 4 stars; one submission).

Conditions:
RAI1-related disorder. Also called: RAI1-related condition.

gnomAD v4.1: 6 of 1,613,086 alleles (0.00037%); highest among the groups gnomAD compares: South Asian, 0.0044%; no homozygotes.

Submission:

PreventionGenetics, part of Exact Sciences
Classification: Uncertain significance for RAI1-related condition. Last evaluated: 2024-05-03. Review status: no assertion criteria provided. Collection method: clinical testing. Allele origin: germline.
Comment: The RAI1 c.707A>T variant is predicted to result in the amino acid substitution p.Tyr236Phe. This variant was reported in an individual with Smith-Magenis syndrome and was inherited from an unaffected mother (Vilboux et al. 2011. PubMed ID: 21857958). This variant is reported in 0.0065% of alleles in individuals of South Asian descent in gnomAD. At this time, the clinical significance of this variant is uncertain due to the absence of conclusive functional and genetic evidence.